The following is an entry in ClinVar:

ClinVar aggregate classification (germline): not provided (0 of 4 stars; one submission).

Allele frequency attached by ClinVar (database versions not stated): gnomAD exomes 0.00008; gnomAD 0.00009; TOPMed 0.00009.
gnomAD v4.1: 39 of 473,118 alleles (0.0082%); highest among the groups gnomAD compares: Non-Finnish European, 0.015%; no homozygotes.

Submission:

Human Evolutionary Genetics, Institut Pasteur
No classification provided. Review status: no classification provided. Collection method: not provided. Allele origin: germline.
ClinVar note: Converted during submission from untested to not provided.

NM_001370466.1(NOD2):c.2550-316A>G

Gene: NOD2 (nucleotide binding oligomerization domain containing 2; plus strand). Cytogenetic location: 16q12.1.
Variant type: single nucleotide variant.
Coding change: c.2550-316A>G on transcript NM_001370466.1 (MANE Select); 316 bases into the intron before coding-DNA position 2550, A replaced by G.
Molecular consequence: intron variant.
Genome position (GRCh38, 1-based): chr16:50,719,609, A>G. VCF-style: chr16-50719609-A-G. GRCh37 (hg19) VCF-style: chr16-50753520-A-G.
Other names: c.2631-316A>G (LRG_177t1, NM_022162.3); c.2550-316A>G (NM_001293557.2).
Identifiers: ClinVar variation 103125 (VCV000103125.2), dbSNP rs199475921, ClinGen allele CA230156.